The following is an entry in ClinVar:

ClinVar aggregate classification (germline): Uncertain significance (1 of 4 stars; one submission).

Conditions:
Hereditary pheochromocytoma and paraganglioma. Also called: Hereditary pheochromocytoma-paraganglioma; Hereditary Paraganglioma-Pheochromocytoma Syndromes; Hereditary paragangliomas and pheochromocytomas. Identifiers: Orphanet 29072, MedGen C4274332, MONDO:0017366.

Submission:

Labcorp Genetics (formerly Invitae), Labcorp
Classification: Uncertain significance for Hereditary pheochromocytoma and paraganglioma. Last evaluated: 2025-12-21. Review status: criteria provided, single submitter. Criteria: Invitae Variant Classification Sherloc (09022015). Collection method: clinical testing. Allele origin: germline.
Comment: This sequence change replaces leucine, which is neutral and non-polar, with valine, which is neutral and non-polar, at codon 138 of the TMEM127 protein (p.Leu138Val). This variant is not present in population databases (gnomAD no frequency). This variant has not been reported in the literature in individuals affected with TMEM127-related conditions. ClinVar contains an entry for this variant (Variation ID: 969995). An algorithm developed to predict the effect of missense changes on protein structure and function (PolyPhen-2) suggests that this variant is likely to be disruptive. In summary, the available evidence is currently insufficient to determine the role of this variant in disease. Therefore, it has been classified as a Variant of Uncertain Significance.

NM_017849.4(TMEM127):c.412C>G (p.Leu138Val)

Gene: TMEM127 (transmembrane protein 127; minus strand). Cytogenetic location: 2q11.2.
Variant type: single nucleotide variant.
Coding change: c.412C>G on transcript NM_017849.4 (MANE Select); coding-DNA position 412, C replaced by G.
Protein change: p.Leu138Val; replaces leucine 138 with valine.
Molecular consequence: missense variant.
Genome position (GRCh38, 1-based): chr2:96,254,113, G>C on the plus strand (C>G on the coding strand, the complement: TMEM127 is on the minus strand). VCF-style: chr2-96254113-G-C. GRCh37 (hg19) VCF-style: chr2-96919851-G-C.
Other names: c.412C>G, p.Leu138Val (NM_001193304.3); short protein forms L138V.
Identifiers: ClinVar variation 969995 (VCV000969995.10), dbSNP rs1684153047, ClinGen allele CA347653189.